The following is an entry in ClinVar:

NM_020800.3(IFT80):c.1354G>A (p.Gly452Ser)

Genes: TRIM59-IFT80 (TRIM59-IFT80 readthrough (NMD candidate); minus strand), IFT80 (intraflagellar transport 80; minus strand). Cytogenetic location: 3q25.33.
Variant type: single nucleotide variant.
Coding change: c.1354G>A on transcript NM_020800.3 (MANE Select); coding-DNA position 1354, G replaced by A.
Protein change: p.Gly452Ser; replaces glycine 452 with serine.
Molecular consequence: missense variant. On other transcripts: non-coding transcript variant (3).
Genome position (GRCh38, 1-based): chr3:160,285,830, C>T on the plus strand (G>A on the coding strand, the complement: IFT80 is on the minus strand). VCF-style: chr3-160285830-C-T. GRCh37 (hg19) VCF-style: chr3-160003618-C-T.
Other names: c.943G>A, p.Gly315Ser (NM_001190241.2, NM_001190242.2); short protein forms G315S, G452S.
Identifiers: ClinVar variation 1460867 (VCV001460867.6), dbSNP rs1424771271, ClinGen allele CA355192576.

ClinVar aggregate classification (germline): Uncertain significance (1 of 4 stars; one submission).

Conditions:
Jeune thoracic dystrophy. Also called: Jeune syndrome; Infantile thoracic dystrophy; Thoracic pelvic phalangeal dystrophy; Jeune's syndrome; Chondroectodermal dysplasia-like syndrome; Short-rib thoracic dysplasia. Identifiers: Orphanet 474, MedGen C0265275, MONDO:0018770.

Allele frequency attached by ClinVar (database versions not stated): gnomAD exomes below 0.00001; TOPMed below 0.00001.
gnomAD v4.1: 1 of 1,610,764 alleles (0.000062%); highest among the groups gnomAD compares: African/African-American, 0.0013%; no homozygotes.

Submission:

Labcorp Genetics (formerly Invitae), Labcorp
Classification: Uncertain significance for Jeune thoracic dystrophy. Last evaluated: 2022-01-06. Review status: criteria provided, single submitter. Criteria: Invitae Variant Classification Sherloc (09022015). Collection method: clinical testing. Allele origin: germline.
Comment: In summary, the available evidence is currently insufficient to determine the role of this variant in disease. Therefore, it has been classified as a Variant of Uncertain Significance. This sequence change replaces glycine, which is neutral and non-polar, with serine, which is neutral and polar, at codon 452 of the IFT80 protein (p.Gly452Ser). This variant is present in population databases (no rsID available, gnomAD 0.01%). This variant has not been reported in the literature in individuals affected with IFT80-related conditions. Algorithms developed to predict the effect of missense changes on protein structure and function are either unavailable or do not agree on the potential impact of this missense change (SIFT: "Tolerated"; PolyPhen-2: "Possibly Damaging"; Align-GVGD: "Class C0").